The following is an entry in ClinVar:

ClinVar aggregate classification (germline): Benign. Review status: criteria provided, single submitter (1 of 4 stars). 2 submissions from 2 submitters: Benign (1). 1 of the submissions does not count toward it. Last evaluated 2026-01-06.

Conditions:
ADCY3-related disorder. Also called: ADCY3-related condition.

Allele frequency attached by ClinVar (database versions not stated): gnomAD exomes 0.00008; TOPMed 0.00009; gnomAD 0.00015; ExAC 0.00026; 1000 Genomes Project 30x 0.00156; 1000 Genomes Project 0.00160.
gnomAD v4.1: 141 of 1,613,928 alleles (0.0087%); highest among the groups gnomAD compares: East Asian, 0.29%; 1 homozygote.

Submissions (2):

Labcorp Genetics (formerly Invitae), Labcorp
Classification: Benign. Last evaluated: 2026-01-06. Review status: criteria provided, single submitter. Criteria: Invitae Variant Classification Sherloc (09022015). Collection method: clinical testing. Allele origin: germline.

PreventionGenetics, part of Exact Sciences
Classification: Likely benign for ADCY3-related condition. Last evaluated: 2019-12-13. Review status: no assertion criteria provided. Collection method: clinical testing. Allele origin: germline. Not counted in ClinVar's aggregate classification.
Comment: This variant is classified as likely benign based on ACMG/AMP sequence variant interpretation guidelines (Richards et al. 2015 PMID: 25741868, with internal and published modifications).

NM_004036.5(ADCY3):c.1710G>A (p.Gln570=)

Gene: ADCY3 (adenylate cyclase 3; minus strand). Cytogenetic location: 2p23.3.
Variant type: single nucleotide variant.
Coding change: c.1710G>A on transcript NM_004036.5 (MANE Select); coding-DNA position 1710, G replaced by A.
Protein change: p.Gln570=; no amino-acid change (glutamine 570 retained).
Molecular consequence: synonymous variant.
Genome position (GRCh38, 1-based): chr2:24,834,889, C>T on the plus strand (G>A on the coding strand, the complement: ADCY3 is on the minus strand). VCF-style: chr2-24834889-C-T. GRCh37 (hg19) VCF-style: chr2-25057758-C-T.
Other names: c.1710G>A (NM_001320613.1); c.1710G>A, p.Gln570= (NM_001320613.2, NM_001377129.1, NM_001377130.1 and 1 more transcripts); c.1776G>A, p.Gln592= (NM_001377128.1); c.987G>A, p.Gln329= (NM_001377131.1).
Identifiers: ClinVar variation 2717254 (VCV002717254.5), dbSNP rs183219559, ClinGen allele CA1554028.